The following is an entry in ClinVar:

NM_001267550.2(TTN):c.11008A>C (p.Thr3670Pro)

Gene: TTN (titin; minus strand). Cytogenetic location: 2q31.2.
Variant type: single nucleotide variant.
Coding change: c.11008A>C on transcript NM_001267550.2 (MANE Select); coding-DNA position 11008, A replaced by C.
Protein change: p.Thr3670Pro; replaces threonine 3670 with proline.
Molecular consequence: missense variant. On other transcripts: intron variant (5).
Genome position (GRCh38, 1-based): chr2:178,756,468, T>G on the plus strand (A>C on the coding strand, the complement: TTN is on the minus strand). VCF-style: chr2-178756468-T-G. GRCh37 (hg19) VCF-style: chr2-179621195-T-G.
Other names: p.T3499P:ACT>CCT; c.10495A>C, p.Thr3499Pro (NM_133437.4); c.10165+2516A>C (NM_003319.4); c.10540+1074A>C (NM_133432.3); c.10303+2516A>C (NM_133378.4, NM_001256850.1, NM_133379.5); short protein forms T3499P, T3670P.
Identifiers: ClinVar variation 203180 (VCV000203180.5), dbSNP rs794729589, ClinGen allele CA311599.

ClinVar aggregate classification (germline): Uncertain significance. Review status: criteria provided, multiple submitters, no conflicts (2 of 4 stars). 3 submissions from 3 submitters: Uncertain significance (3). Last evaluated 2025-01-30.

Conditions:
Myopathy, myofibrillar, 9, with early respiratory failure (MFM9). Also called: EDSTROM MYOPATHY; MYOPATHY, PROXIMAL, WITH EARLY RESPIRATORY MUSCLE INVOLVEMENT; Hereditary myopathy with early respiratory failure; Myopathy, distal, with early respiratory failure, autosomal dominant. Identifiers: Orphanet 178464, Orphanet 34521, MedGen C1863599, MONDO:0011362, OMIM 603689.

Allele frequency attached by ClinVar (database versions not stated): TOPMed 0.00002.
gnomAD v4.1: 11 of 1,613,834 alleles (0.00068%); highest among the groups gnomAD compares: Non-Finnish European, 0.00093%; no homozygotes.

Submissions (3):

Women's Health and Genetics/Laboratory Corporation of America, LabCorp
Classification: Uncertain significance. Last evaluated: 2025-01-30. Review status: criteria provided, single submitter. Criteria: LabCorp Variant Classification Summary - May 2015. Collection method: clinical testing. Allele origin: germline.
Comment: Variant summary: TTN c.10303+2516A>C is located at a position not widely known to affect splicing. This variant corresponds to c.11008A>C (p.Thr3670Pro) in NM_001267550. Consensus agreement among computation tools predict no significant impact on normal splicing. However, these predictions have yet to be confirmed by functional studies. The variant was absent in 248676 control chromosomes (gnomAD). The available data on variant occurrences in the general population are insufficient to allow any conclusion about variant significance. To our knowledge, no occurrence of c.10303+2516A>C in individuals affected with Limb-Girdle Muscular Dystrophy, Type 2J and no experimental evidence demonstrating its impact on protein function have been reported. ClinVar contains an entry for this variant (Variation ID: 203180). Based on the evidence outlined above, the variant was classified as uncertain significance.

Baylor Genetics
Classification: Uncertain significance for Myopathy, myofibrillar, 9, with early respiratory failure. Last evaluated: 2018-01-18. Review status: criteria provided, single submitter. Criteria: ACMG Guidelines, 2015. Collection method: clinical testing. Allele origin: maternal. Affected: yes.
Comment: This variant was determined to be of uncertain significance according to ACMG Guidelines, 2015 [PMID:25741868].

GeneDx
Classification: Uncertain significance. Last evaluated: 2014-10-31. Review status: criteria provided, single submitter. Criteria: GeneDx Variant Classification (06012015). Collection method: clinical testing. Allele origin: germline. Affected: yes.
Comment: Missense variants in the TTN gene are considered 'unclassified' if they are not previously reported in the literature and do not have >1% frequency in the population to be considered a polymorphism. Research indicates that truncating mutations in the TTN gene are expected to account for approximately 25% of familial and 18% of sporadic idiopathic DCM; however, truncating variants in the TTN gene have been reported in approximately 3% of reported control alleles. There has been little investigation into non-truncating variants. (Herman D et al. Truncations of titin causing dilated cardiomyopathy. N Eng J Med 366:619-628, 2012) The variant is found in CARDIOMYOPATHY panel(s).